The following is an entry in ClinVar:

ClinVar aggregate classification (germline): Benign (1 of 4 stars; one submission).

Conditions:
Pheochromocytoma/paraganglioma syndrome 5. Also called: Paragangliomas 5; SDHA-Related Hereditary Paraganglioma-Pheochromocytoma Syndrome. Identifiers: Orphanet 29072, MedGen C3279992, MONDO:0013602, OMIM 614165.

Submission:

Myriad Genetics, Inc.
Classification: Benign for Pheochromocytoma/paraganglioma syndrome 5. Last evaluated: 2025-03-03. Review status: criteria provided, single submitter. Criteria: Myriad Autosomal Dominant, Autosomal Recessive and X-Linked Classification Criteria (2023). Collection method: clinical testing. Allele origin: unknown.
Comment: This variant is considered benign. This variant is a silent/synonymous amino acid change and it is not expected to impact splicing.

NM_004168.4(SDHA):c.681G>A (p.Glu227=)

Gene: SDHA (succinate dehydrogenase complex flavoprotein subunit A; plus strand). Cytogenetic location: 5p15.33.
Variant type: single nucleotide variant.
Coding change: c.681G>A on transcript NM_004168.4 (MANE Select); coding-DNA position 681, G replaced by A.
Protein change: p.Glu227=; no amino-acid change (glutamic acid 227 retained).
Molecular consequence: synonymous variant.
Genome position (GRCh38, 1-based): chr5:228,244, G>A. VCF-style: chr5-228244-G-A. GRCh37 (hg19) VCF-style: chr5-228359-G-A.
Other names: c.537G>A, p.Glu179= (NM_001294332.2); c.681G>A, p.Glu227= (NM_001330758.2).
Identifiers: ClinVar variation 3904596 (VCV003904596.1).